The following is an entry in ClinVar:

ClinVar aggregate classification (germline): Benign/Likely benign. Review status: criteria provided, multiple submitters, no conflicts (2 of 4 stars). 3 submissions from 3 submitters: Benign (1); Likely benign (2). Last evaluated 2026-01-26.

Conditions:
Hereditary cancer-predisposing syndrome. Also called: Hereditary Cancer Syndrome; Hereditary neoplastic syndrome; Tumor predisposition; Neoplastic Syndromes, Hereditary. Identifiers: Orphanet 140162, MedGen C0027672, MeSH D009386, MONDO:0015356.
Hereditary nonpolyposis colorectal neoplasms. Identifiers: MedGen C0009405, MeSH D003123.
Lynch syndrome 4 (LYNCH4). Also called: Colorectal cancer, hereditary nonpolyposis, type 4; Hereditary non-polyposis colorectal cancer, type 4. Identifiers: Orphanet 144, MedGen C1838333, MONDO:0013699, OMIM 614337. Disease mechanism: loss of function.

Submissions (3):

Labcorp Genetics (formerly Invitae), Labcorp
Classification: Likely benign for Hereditary nonpolyposis colorectal neoplasms. Last evaluated: 2026-01-26. Review status: criteria provided, single submitter. Criteria: Invitae Variant Classification Sherloc (09022015). Collection method: clinical testing. Allele origin: germline.

Myriad Genetics, Inc.
Classification: Benign for Lynch syndrome 4. Last evaluated: 2025-02-03. Review status: criteria provided, single submitter. Criteria: Myriad Autosomal Dominant, Autosomal Recessive and X-Linked Classification Criteria (2023). Collection method: clinical testing. Allele origin: unknown.
Comment: This variant is considered benign. This variant is a silent/synonymous amino acid change and it is not expected to impact splicing.

Ambry Genetics
Classification: Likely benign for Hereditary cancer-predisposing syndrome. Last evaluated: 2021-08-18. Review status: criteria provided, single submitter. Criteria: Ambry Variant Classification Scheme 2023. Collection method: clinical testing. Allele origin: germline.

NM_000535.7(PMS2):c.2292G>A (p.Arg764=)

Gene: PMS2 (PMS1 homolog 2, mismatch repair system component; minus strand). Cytogenetic location: 7p22.1.
Variant type: single nucleotide variant.
Coding change: c.2292G>A on transcript NM_000535.7 (MANE Select); coding-DNA position 2292, G replaced by A.
Protein change: p.Arg764=; no amino-acid change (arginine 764 retained).
Molecular consequence: synonymous variant. On other transcripts: intron variant (2).
Genome position (GRCh38, 1-based): chr7:5,977,741, C>T on the plus strand (G>A on the coding strand, the complement: PMS2 is on the minus strand). VCF-style: chr7-5977741-C-T. GRCh37 (hg19) VCF-style: chr7-6017372-C-T.
Other names: c.1887G>A, p.Arg629= (NM_001018040.1, NM_001322003.2, NM_001322004.2 and 12 more transcripts); c.2136G>A, p.Arg712= (NM_001322006.2); c.1974G>A, p.Arg658= (NM_001322007.2, NM_001322008.2, NM_001406883.1); c.1920G>A, p.Arg640= (NM_001322009.2, NM_001406887.1, NM_001406888.1); c.1731G>A, p.Arg577= (NM_001322010.2, NM_001406906.1, NM_001406907.1); c.1359G>A, p.Arg453= (NM_001322011.2, NM_001322012.2); c.1719G>A, p.Arg573= (NM_001322013.2, NM_001406908.1, NM_001406909.1); c.2325G>A, p.Arg775= (NM_001322014.2); and 20 more.
Identifiers: ClinVar variation 1789131 (VCV001789131.4), dbSNP rs2128675697, ClinGen allele CA453642484.
Genomic context (GRCh38, chr7:5,977,741, plus strand): 5'-ATCGACGTCCTGGGGTCCGAAGGTCCAGTTTTTACTAGTTGGCAAGGAAATCAGTTTAGC[C>T]CTTTCAGTGACTGGAGCTAAAAGAATACAATTTTGAGAAAAATCCATGACTTGACAAACA-3'
Protein context (NP_000526.2, residues 754-774): VIDENAPVTE[Arg764=]AKLISLPTSK